The following is an entry in ClinVar:

NM_000256.3(MYBPC3):c.2460del (p.Arg820_Leu821insTer)

Gene: MYBPC3 (myosin binding protein C3; minus strand). Cytogenetic location: 11p11.2.
Variant type: Deletion.
Coding change: c.2460del on transcript NM_000256.3 (MANE Select); coding-DNA position 2460, one base deleted (G; older notation c.2460delG).
Protein change: p.Arg820_Leu821insTer.
Molecular consequence: frameshift variant.
Genome position (GRCh38, 1-based): chr11:47,337,533, C deleted on the plus strand (G on the coding strand, the reverse complement: MYBPC3 is on the minus strand); the first of 2 consecutive C bases (chr11:47,337,533-47,337,534); deleting either gives the same sequence. VCF-style (leftmost placement, unchanged base first): chr11-47337532-GC-G. GRCh37 (hg19) VCF-style: chr11-47359083-GC-G.
Identifiers: ClinVar variation 2762843 (VCV002762843.3), dbSNP rs2495749773, ClinGen allele CA2697548561.

ClinVar aggregate classification (germline): Pathogenic (1 of 4 stars; one submission).

Conditions:
Hypertrophic cardiomyopathy. Also called: HYPERTROPHIC MYOCARDIOPATHY. Identifiers: Orphanet 217569, MedGen C0007194, MeSH D002312, MONDO:0005045, HP:0001639.

Submission:

Labcorp Genetics (formerly Invitae), Labcorp
Classification: Pathogenic for Hypertrophic cardiomyopathy. Last evaluated: 2023-09-23. Review status: criteria provided, single submitter. Criteria: Invitae Variant Classification Sherloc (09022015). Collection method: clinical testing. Allele origin: germline.
Comment: For these reasons, this variant has been classified as Pathogenic. This variant has not been reported in the literature in individuals affected with MYBPC3-related conditions. This variant is not present in population databases (gnomAD no frequency). This sequence change creates a premature translational stop signal (p.Leu821*) in the MYBPC3 gene. It is expected to result in an absent or disrupted protein product. Loss-of-function variants in MYBPC3 are known to be pathogenic (PMID: 19574547).

Literature cited by the submitters: PubMed 19574547.